The following is an entry in ClinVar:

NM_001370466.1(NOD2):c.1358A>C (p.His453Pro)

Gene: NOD2 (nucleotide binding oligomerization domain containing 2; plus strand). Cytogenetic location: 16q12.1.
Variant type: single nucleotide variant.
Coding change: c.1358A>C on transcript NM_001370466.1 (MANE Select); coding-DNA position 1358, A replaced by C.
Protein change: p.His453Pro; replaces histidine 453 with proline.
Molecular consequence: missense variant. On other transcripts: non-coding transcript variant (1).
Genome position (GRCh38, 1-based): chr16:50,711,350, A>C. VCF-style: chr16-50711350-A-C. GRCh37 (hg19) VCF-style: chr16-50745261-A-C.
Other names: c.1358A>C, p.His453Pro (NM_001293557.2); c.1439A>C, p.His480Pro (NM_022162.3); short protein forms H453P, H480P.
Identifiers: ClinVar variation 4789797 (VCV004789797.1).

ClinVar aggregate classification (germline): Uncertain significance (1 of 4 stars; one submission).

Conditions:
Regional enteritis. Also called: Enteritis, Granulomatous. Identifiers: MedGen C0678202, MeSH D003424.
Blau syndrome (BLAUS). Also called: ARTHROCUTANEOUVEAL GRANULOMATOSIS; GRANULOMATOSIS, FAMILIAL JUVENILE SYSTEMIC; GRANULOMATOSIS, FAMILIAL, BLAU TYPE; GRANULOMATOUS INFLAMMATORY ARTHRITIS, DERMATITIS, AND UVEITIS, FAMILIAL; JABS SYNDROME. Identifiers: Orphanet 90340, MedGen C5201146, MONDO:0008523, OMIM 186580.

Submission:

Labcorp Genetics (formerly Invitae), Labcorp
Classification: Uncertain significance for Regional enteritis; Blau syndrome. Last evaluated: 2025-06-11. Review status: criteria provided, single submitter. Criteria: Invitae Variant Classification Sherloc (09022015). Collection method: clinical testing. Allele origin: germline.
Comment: This sequence change replaces histidine, which is basic and polar, with proline, which is neutral and non-polar, at codon 480 of the NOD2 protein (p.His480Pro). This variant is not present in population databases (gnomAD no frequency). This variant has not been reported in the literature in individuals affected with NOD2-related conditions. Invitae Evidence Modeling of protein sequence and biophysical properties (such as structural, functional, and spatial information, amino acid conservation, physicochemical variation, residue mobility, and thermodynamic stability) has been performed for this missense variant. However, the output from this modeling did not meet the statistical confidence thresholds required to predict the impact of this variant on NOD2 protein function. In summary, the available evidence is currently insufficient to determine the role of this variant in disease. Therefore, it has been classified as a Variant of Uncertain Significance.